The following is an entry in ClinVar:

NM_001376.5(DYNC1H1):c.7492A>T (p.Ile2498Leu)

Gene: DYNC1H1 (dynein cytoplasmic 1 heavy chain 1; plus strand). Cytogenetic location: 14q32.31.
Variant type: single nucleotide variant.
Coding change: c.7492A>T on transcript NM_001376.5 (MANE Select); coding-DNA position 7492, A replaced by T.
Protein change: p.Ile2498Leu; replaces isoleucine 2498 with leucine.
Molecular consequence: missense variant.
Genome position (GRCh38, 1-based): chr14:102,016,367, A>T. VCF-style: chr14-102016367-A-T. GRCh37 (hg19) VCF-style: chr14-102482704-A-T.
Other names: p.Ile2498Leu; short protein forms I2498L.
Identifiers: ClinVar variation 2166251 (VCV002166251.4), dbSNP rs1284156336, ClinGen allele CA391002257.
Genomic context (GRCh38, chr14:102,016,367, plus strand): 5'-TGAAATTTTATAAAAATCAAAGTTTAATTCCCTTTTTAATAGCGATATCTGGTTTATGCC[A>T]TACTCTGGTCCCTGTCTGGAGACAGCCGGCTAAAAATGAGAGCAGAGCTGGGTGAATACA-3'
Protein context (NP_001367.2, residues 2488-2508): RYIQRYLVYA[Ile2498Leu]LWSLSGDSRL

ClinVar aggregate classification (germline): Uncertain significance. Review status: criteria provided, multiple submitters, no conflicts (2 of 4 stars). 2 submissions from 2 submitters: Uncertain significance (2). Last evaluated 2025-08-17.

Conditions:
Charcot-Marie-Tooth disease axonal type 2O. Also called: Charcot-Marie-Tooth disease, axonal, type 20; CHARCOT-MARIE-TOOTH NEUROPATHY, AXONAL, TYPE 2O; CHARCOT-MARIE-TOOTH DISEASE, AXONAL, AUTOSOMAL DOMINANT, TYPE 2O; Charcot-Marie-Tooth Neuropathy Type 2O. Identifiers: Orphanet 284232, MedGen C3280220, MONDO:0013644, OMIM 614228.
Cortical dysplasia, complex, with other brain malformations 13. Also called: Intellectual disability, autosomal dominant 13. Identifiers: MedGen C3281202, MONDO:0013805, OMIM 614563.

Submissions (2):

Department of Molecular Genetics, Istishari Arab Hospital
Classification: Uncertain significance for Cortical dysplasia, complex, with other brain malformations 13. Last evaluated: 2025-08-17. Review status: criteria provided, single submitter. Criteria: ACMG Guidelines, 2015. Collection method: clinical testing. Allele origin: germline. Inheritance: Autosomal dominant inheritance. Affected: yes.
Comment: The DYNC1H1 c.7492A>T, p.Ile2498Leu causes an amino acid change from Ile to Leu at position 2498 in exon(s) no.37 (of 78). To the best of our knowledge, this variant was not previously reported in the literature. It is not observed in the gnomAD v4.1.0 dataset. It is classified as a variant of uncertain significance (Class 3) based on ACMG/AMP/ClinGen SVI guidelines.

Labcorp Genetics (formerly Invitae), Labcorp
Classification: Uncertain significance for Charcot-Marie-Tooth disease axonal type 2O. Last evaluated: 2024-03-25. Review status: criteria provided, single submitter. Criteria: Invitae Variant Classification Sherloc (09022015). Collection method: clinical testing. Allele origin: germline.
Comment: This sequence change replaces isoleucine, which is neutral and non-polar, with leucine, which is neutral and non-polar, at codon 2498 of the DYNC1H1 protein (p.Ile2498Leu). This variant is not present in population databases (gnomAD no frequency). This variant has not been reported in the literature in individuals affected with DYNC1H1-related conditions. ClinVar contains an entry for this variant (Variation ID: 2166251). Advanced modeling of protein sequence and biophysical properties (such as structural, functional, and spatial information, amino acid conservation, physicochemical variation, residue mobility, and thermodynamic stability) performed at Invitae indicates that this missense variant is not expected to disrupt DYNC1H1 protein function with a negative predictive value of 95%. Algorithms developed to predict the effect of sequence changes on RNA splicing suggest that this variant may create or strengthen a splice site. In summary, the available evidence is currently insufficient to determine the role of this variant in disease. Therefore, it has been classified as a Variant of Uncertain Significance.